The following is an entry in ClinVar:

NM_001199138.2(NLRC4):c.2600C>T (p.Ala867Val)

Gene: NLRC4 (NLR family CARD domain containing 4; minus strand). Cytogenetic location: 2p22.3.
Variant type: single nucleotide variant.
Coding change: c.2600C>T on transcript NM_001199138.2 (MANE Select); coding-DNA position 2600, C replaced by T.
Protein change: p.Ala867Val; replaces alanine 867 with valine.
Molecular consequence: missense variant.
Genome position (GRCh38, 1-based): chr2:32,236,261, G>A on the plus strand (C>T on the coding strand, the complement: NLRC4 is on the minus strand). VCF-style: chr2-32236261-G-A. GRCh37 (hg19) VCF-style: chr2-32461330-G-A.
Other names: c.2600C>T, p.Ala867Val (NM_001199139.2, NM_021209.5); c.605C>T, p.Ala202Val (NM_001302504.2); short protein forms A202V, A867V.
Identifiers: ClinVar variation 2949797 (VCV002949797.3), dbSNP rs2466722056, ClinGen allele CA346520955.

ClinVar aggregate classification (germline): Uncertain significance (1 of 4 stars; one submission).

Conditions:
Periodic fever-infantile enterocolitis-autoinflammatory syndrome. Also called: Autoinflammation with infantile enterocolitis. Identifiers: Orphanet 436166, MedGen C4015067, MONDO:0014472, OMIM 616050.
Familial cold autoinflammatory syndrome 4 (FCAS4). Identifiers: Orphanet 47045, Orphanet 576349, MedGen C4015276, MONDO:0014498, OMIM 616115.

Submission:

Labcorp Genetics (formerly Invitae), Labcorp
Classification: Uncertain significance for Periodic fever-infantile enterocolitis-autoinflammatory syndrome; Familial cold autoinflammatory syndrome 4. Last evaluated: 2026-01-27. Review status: criteria provided, single submitter. Criteria: Invitae Variant Classification Sherloc (09022015). Collection method: clinical testing. Allele origin: germline.
Comment: This sequence change replaces alanine, which is neutral and non-polar, with valine, which is neutral and non-polar, at codon 867 of the NLRC4 protein (p.Ala867Val). This variant is not present in population databases (gnomAD no frequency). This variant has not been reported in the literature in individuals affected with NLRC4-related conditions. ClinVar contains an entry for this variant (Variation ID: 2949797). Invitae Evidence Modeling of protein sequence and biophysical properties (such as structural, functional, and spatial information, amino acid conservation, physicochemical variation, residue mobility, and thermodynamic stability) indicates that this missense variant is not expected to disrupt NLRC4 protein function with a negative predictive value of 80%. In summary, the available evidence is currently insufficient to determine the role of this variant in disease. Therefore, it has been classified as a Variant of Uncertain Significance.